The following is an entry in ClinVar:

NM_001131016.2(CIZ1):c.1438C>T (p.Pro480Ser)

Gene: CIZ1 (CDKN1A interacting zinc finger protein 1; minus strand). Cytogenetic location: 9q34.11.
Variant type: single nucleotide variant.
Coding change: c.1438C>T on transcript NM_001131016.2 (MANE Select); coding-DNA position 1438, C replaced by T.
Protein change: p.Pro480Ser; replaces proline 480 with serine.
Molecular consequence: missense variant.
Genome position (GRCh38, 1-based): chr9:128,178,769, G>A on the plus strand (C>T on the coding strand, the complement: CIZ1 is on the minus strand). VCF-style: chr9-128178769-G-A. GRCh37 (hg19) VCF-style: chr9-130941048-G-A.
Other names: c.1270C>T, p.Pro424Ser (NM_001131015.2); c.1255C>T, p.Pro419Ser (NM_001131017.2); c.1198C>T, p.Pro400Ser (NM_001131018.2); c.1528C>T, p.Pro510Ser (NM_001257975.2); c.1135C>T, p.Pro379Ser (NM_001257976.2); c.1438C>T, p.Pro480Ser (NM_012127.3); short protein forms P419S, P480S, P379S, P424S, P400S, P510S.
Identifiers: ClinVar variation 2891265 (VCV002891265.3), dbSNP rs1021562728, ClinGen allele CA200382760.

ClinVar aggregate classification (germline): Uncertain significance (1 of 4 stars; one submission).

Conditions:
Dystonic disorder. Also called: Dystonia. Identifiers: MedGen C0013421, MONDO:0003441, HP:0001332.

Allele frequency attached by ClinVar (database versions not stated): gnomAD exomes 0.00001.
gnomAD v4.1: 12 of 1,614,248 alleles (0.00074%); highest among the groups gnomAD compares: Non-Finnish European, 0.00093%; no homozygotes.

Submission:

Labcorp Genetics (formerly Invitae), Labcorp
Classification: Uncertain significance for Dystonic disorder. Last evaluated: 2023-08-07. Review status: criteria provided, single submitter. Criteria: Invitae Variant Classification Sherloc (09022015). Collection method: clinical testing. Allele origin: germline.
Comment: This sequence change replaces proline, which is neutral and non-polar, with serine, which is neutral and polar, at codon 480 of the CIZ1 protein (p.Pro480Ser). This variant is not present in population databases (gnomAD no frequency). This variant has not been reported in the literature in individuals affected with CIZ1-related conditions. Algorithms developed to predict the effect of missense changes on protein structure and function output the following: SIFT: "Not Available"; PolyPhen-2: "Benign"; Align-GVGD: "Not Available". The serine amino acid residue is found in multiple mammalian species, which suggests that this missense change does not adversely affect protein function. In summary, the available evidence is currently insufficient to determine the role of this variant in disease. Therefore, it has been classified as a Variant of Uncertain Significance.